The following is an entry in ClinVar:

NM_001009999.3(KDM1A):c.2018C>T (p.Ser673Phe)

Gene: KDM1A (lysine demethylase 1A; plus strand). Cytogenetic location: 1p36.12.
Variant type: single nucleotide variant.
Coding change: c.2018C>T on transcript NM_001009999.3 (MANE Select); coding-DNA position 2018, C replaced by T.
Protein change: p.Ser673Phe; replaces serine 673 with phenylalanine.
Molecular consequence: missense variant.
Genome position (GRCh38, 1-based): chr1:23,079,140, C>T. VCF-style: chr1-23079140-C-T. GRCh37 (hg19) VCF-style: chr1-23405633-C-T.
Other names: c.1964C>T, p.Ser655Phe (NM_001363654.2); c.2024C>T, p.Ser675Phe (NM_001410762.1); c.1946C>T, p.Ser649Phe (NM_001410763.1, NM_015013.4); short protein forms S649F, S655F, S673F, S675F.
Identifiers: ClinVar variation 4858715 (VCV004858715.1).

ClinVar aggregate classification (germline): Uncertain significance (1 of 4 stars; one submission).

Conditions:
Inborn genetic diseases. Identifiers: MedGen C0950123, MeSH D030342.

gnomAD v4.1: 1 of 1,614,186 alleles (0.000062%); highest among the groups gnomAD compares: South Asian, 0.0011%; no homozygotes.

Submission:

Ambry Genetics
Classification: Uncertain significance for Inborn genetic diseases. Last evaluated: 2026-04-16. Review status: criteria provided, single submitter. Criteria: Ambry Variant Classification Scheme 2023. Collection method: clinical testing. Allele origin: germline.
Comment: The p.S673F variant (also known as c.2018C>T), located in coding exon 17 of the KDM1A gene, results from a C to T substitution at nucleotide position 2018. The serine at codon 673 is replaced by phenylalanine, an amino acid with highly dissimilar properties. This amino acid position is conserved. In addition, this alteration is predicted to be deleterious by in silico analysis. Based on the available evidence, the clinical significance of this variant remains unclear.